The following is an entry in ClinVar:

ClinVar aggregate classification (germline): Uncertain significance (1 of 4 stars; one submission).

Submission:

Labcorp Genetics (formerly Invitae), Labcorp
Classification: Uncertain significance. Last evaluated: 2023-02-22. Review status: criteria provided, single submitter. Criteria: Invitae Variant Classification Sherloc (09022015). Collection method: clinical testing. Allele origin: germline.
Comment: In summary, the available evidence is currently insufficient to determine the role of this variant in disease. Therefore, it has been classified as a Variant of Uncertain Significance. Experimental studies and prediction algorithms are not available or were not evaluated, and the functional significance of this variant is currently unknown. This variant has not been reported in the literature in individuals affected with NEFH-related conditions. This variant is present in population databases (rs753892975, gnomAD 0.006%). This sequence change creates a premature translational stop signal (p.Val455Aspfs*13) in the NEFH gene. While this is not anticipated to result in nonsense mediated decay, it is expected to disrupt the last 566 amino acid(s) of the NEFH protein.

NM_021076.4(NEFH):c.1364_1365del (p.Val455fs)

Gene: NEFH (neurofilament heavy chain; plus strand). Cytogenetic location: 22q12.2.
Variant type: Microsatellite.
Coding change: c.1364_1365del on transcript NM_021076.4 (MANE Select); coding-DNA positions 1364 to 1365, 2 bases deleted (TG; older notation c.1364_1365delTG).
Protein change: p.Val455fs; shifts the reading frame from valine 455.
Molecular consequence: frameshift variant.
Genome position (GRCh38, 1-based): chr22:29,489,004-29,489,005, TG deleted; deleting any 2 consecutive bases within chr22:29,489,002-29,489,005 gives the same sequence; the c. name uses the placement nearest the transcript's 3' end. VCF-style (leftmost placement, unchanged base first): chr22-29489001-CTG-C. GRCh37 (hg19) VCF-style: chr22-29884990-CTG-C.
Other names: short protein forms V455fs.
Identifiers: ClinVar variation 2867871 (VCV002867871.3), dbSNP rs753892975, ClinGen allele CA10174194.
Genomic context (GRCh38, chr22:29,489,001, plus strand): 5'-CTCACATAAAGGTGAAAAGCGAAGAGAAGATCAAAGTGGTGGAGAAGTCTGAGAAAGAAA[CTG>C]TGATTGTGGAGGAACAGACAGAGGAGACCCAAGTGACTGAAGAAGTGACTGAAGAAGAGG-3'